The following is an entry in ClinVar:

ClinVar aggregate classification (germline): Uncertain significance (1 of 4 stars; one submission).

Conditions:
Chuvash polycythemia. Also called: POLYCYTHEMIA, VHL-DEPENDENT. Identifiers: Orphanet 238557, MedGen C1837915, MONDO:0009892, OMIM 263400.
Von Hippel-Lindau syndrome (VHLS). Also called: von Hippel–Lindau syndrome; VHL syndrome; Von Hippel-Lindau. Identifiers: Orphanet 892, MedGen C0019562, MONDO:0008667, OMIM 193300. Disease mechanism: loss of function.

Submission:

Labcorp Genetics (formerly Invitae), Labcorp
Classification: Uncertain significance for Von Hippel-Lindau syndrome; Chuvash polycythemia. Last evaluated: 2023-01-17. Review status: criteria provided, single submitter. Criteria: Invitae Variant Classification Sherloc (09022015). Collection method: clinical testing. Allele origin: germline.
Comment: In summary, the available evidence is currently insufficient to determine the role of this variant in disease. Therefore, it has been classified as a Variant of Uncertain Significance. Algorithms developed to predict the effect of sequence changes on RNA splicing suggest that this variant is not likely to affect RNA splicing. This variant has not been reported in the literature in individuals affected with VHL-related conditions. This variant is not present in population databases (gnomAD no frequency). This sequence change falls in intron 1 of the VHL gene. It is not expected to change the encoded amino acid sequence of the VHL protein. However, this sequence change falls within a cryptic exon in the VHL gene, known as exon E1’, which is naturally expressed at low levels in several human tissues (PMID: 29891534).

Literature cited by the submitters: PubMed 29891534.

NM_000551.4(VHL):c.340+757dup

Genes: VHL (von Hippel-Lindau tumor suppressor; plus strand), LOC107303340 (3p25 von Hippel-Lindau tumor suppressor, E3 ubiquitin protein ligase Alu-mediated recombination region; plus strand). Cytogenetic location: 3p25.3.
Variant type: Duplication.
Coding change: c.340+757dup on transcript NM_000551.4 (MANE Select); 757 bases into the intron after coding-DNA position 340, one base duplicated (C; older notation c.340+757dupC).
Molecular consequence: intron variant. On other transcripts: frameshift variant (1), non-coding transcript variant (1).
Genome position (GRCh38, 1-based): chr3:10,142,944, C duplicated. VCF-style (leftmost placement, unchanged base first): chr3-10142943-G-GC. GRCh37 (hg19) VCF-style: chr3-10184627-G-GC.
Other names: c.522dup, p.Gly175fs (NM_001354723.2); c.340+757dup (NM_198156.3); short protein forms G175fs.
Identifiers: ClinVar variation 2943249 (VCV002943249.3), dbSNP rs2470160231, ClinGen allele CA2740090925.